The following is an entry in ClinVar:

ClinVar aggregate classification (germline): Uncertain significance. Review status: criteria provided, multiple submitters, no conflicts (2 of 4 stars). 2 submissions from 2 submitters: Uncertain significance (2). Last evaluated 2025-11-04.

Conditions:
Inborn genetic diseases. Identifiers: MedGen C0950123, MeSH D030342.
Baller-Gerold syndrome (BGS). Also called: CRANIOSYNOSTOSIS WITH RADIAL DEFECTS. Identifiers: Orphanet 1225, MedGen C0265308, MONDO:0009039, OMIM 218600.

Submissions (2):

Ambry Genetics
Classification: Uncertain significance for Inborn genetic diseases. Last evaluated: 2025-11-04. Review status: criteria provided, single submitter. Criteria: Ambry Variant Classification Scheme 2023. Collection method: clinical testing. Allele origin: germline.
Comment: The p.H1014Y variant (also known as c.3040C>T), located in coding exon 17 of the RECQL4 gene, results from a C to T substitution at nucleotide position 3040. The histidine at codon 1014 is replaced by tyrosine, an amino acid with similar properties. This amino acid position is conserved. Based on the available evidence, the clinical significance of this variant remains unclear.

Labcorp Genetics (formerly Invitae), Labcorp
Classification: Uncertain significance for Baller-Gerold syndrome. Last evaluated: 2020-05-29. Review status: criteria provided, single submitter. Criteria: Invitae Variant Classification Sherloc (09022015). Collection method: clinical testing. Allele origin: germline.
Comment: In summary, the available evidence is currently insufficient to determine the role of this variant in disease. Therefore, it has been classified as a Variant of Uncertain Significance. Algorithms developed to predict the effect of missense changes on protein structure and function (SIFT, PolyPhen-2, Align-GVGD) all suggest that this variant is likely to be tolerated, but these predictions have not been confirmed by published functional studies and their clinical significance is uncertain. This variant has not been reported in the literature in individuals with RECQL4-related conditions. This variant is not present in population databases (ExAC no frequency). This sequence change replaces histidine with tyrosine at codon 1014 of the RECQL4 protein (p.His1014Tyr). The histidine residue is weakly conserved and there is a moderate physicochemical difference between histidine and tyrosine.

NM_004260.4(RECQL4):c.3040C>T (p.His1014Tyr)

Gene: RECQL4 (RecQ like helicase 4; minus strand). Cytogenetic location: 8q24.3.
Variant type: single nucleotide variant.
Coding change: c.3040C>T on transcript NM_004260.4 (MANE Select); coding-DNA position 3040, C replaced by T.
Protein change: p.His1014Tyr; replaces histidine 1014 with tyrosine.
Molecular consequence: missense variant.
Genome position (GRCh38, 1-based): chr8:144,512,407, G>A on the plus strand (C>T on the coding strand, the complement: RECQL4 is on the minus strand). VCF-style: chr8-144512407-G-A. GRCh37 (hg19) VCF-style: chr8-145737790-G-A.
Other names: c.3040C>T (NM_004260.3); short protein forms H1014Y.
Identifiers: ClinVar variation 1008846 (VCV001008846.4), dbSNP rs760096494, ClinGen allele CA372671156.